The following is an entry in ClinVar:

ClinVar aggregate classification (germline): Uncertain significance (1 of 4 stars; one submission).

Conditions:
SMARCA4-related disorder. Also called: SMARCA4-related condition.

Submission:

PreventionGenetics, part of Exact Sciences
Classification: Uncertain significance for SMARCA4-related condition. Last evaluated: 2025-01-31. Review status: criteria provided, single submitter. Criteria: ACMG Guidelines, 2015. Collection method: clinical testing. Allele origin: germline.
Comment: The SMARCA4 c.3298C>G variant is predicted to result in the amino acid substitution p.Leu1100Val. To our knowledge, this variant has not been reported in the literature or in a large population database (gnomAD), indicating this variant is rare. At this time, the clinical significance of this variant is uncertain due to the absence of conclusive functional and genetic evidence.

NM_003072.5(SMARCA4):c.3298C>G (p.Leu1100Val)

Gene: SMARCA4 (SWI/SNF related BAF chromatin remodeling complex subunit ATPase 4; plus strand). Cytogenetic location: 19p13.2.
Variant type: single nucleotide variant.
Coding change: c.3298C>G on transcript NM_003072.5 (MANE Select); coding-DNA position 3298, C replaced by G.
Protein change: p.Leu1100Val; replaces leucine 1100 with valine.
Molecular consequence: missense variant. On other transcripts: non-coding transcript variant (1).
Genome position (GRCh38, 1-based): chr19:11,027,866, C>G. VCF-style: chr19-11027866-C-G. GRCh37 (hg19) VCF-style: chr19-11138542-C-G.
Other names: c.3298C>G, p.Leu1100Val (NM_001128844.3, NM_001128845.2, NM_001128846.2 and 6 more transcripts); short protein forms L1100V.
Identifiers: ClinVar variation 4997249 (VCV004997249.1).